The following is an entry in ClinVar:

NM_032444.4(SLX4):c.2941G>A (p.Gly981Arg)

Gene: SLX4 (SLX4 structure-specific endonuclease subunit; minus strand). Cytogenetic location: 16p13.3.
Variant type: single nucleotide variant.
Coding change: c.2941G>A on transcript NM_032444.4 (MANE Select); coding-DNA position 2941, G replaced by A.
Protein change: p.Gly981Arg; replaces glycine 981 with arginine.
Molecular consequence: missense variant.
Genome position (GRCh38, 1-based): chr16:3,590,697, C>T on the plus strand (G>A on the coding strand, the complement: SLX4 is on the minus strand). VCF-style: chr16-3590697-C-T. GRCh37 (hg19) VCF-style: chr16-3640698-C-T.
Other names: c.2941G>A (LRG_503t1); short protein forms G981R.
Identifiers: ClinVar variation 456304 (VCV000456304.8), dbSNP rs546628836, ClinGen allele CA7866036.

ClinVar aggregate classification (germline): Uncertain significance. Review status: criteria provided, multiple submitters, no conflicts (2 of 4 stars). 5 submissions from 5 submitters: Uncertain significance (5). Last evaluated 2024-04-11.

Conditions:
Fanconi anemia complementation group A (FANCA). Also called: Fanconi anemia, group A; FANCA-Related Fanconi Anemia. Identifiers: Orphanet 84, MedGen C3469521, MONDO:0009215, OMIM 227650.
Fanconi anemia complementation group P. Also called: SLX4-Related Fanconi Anemia. Identifiers: Orphanet 84, MedGen C3469542, MONDO:0013499, OMIM 613951.
Fanconi anemia (FA). Also called: Fanconi's anemia. Identifiers: Orphanet 84, MedGen C0015625, MeSH D005199, MONDO:0019391.

Allele frequency attached by ClinVar (database versions not stated): gnomAD exomes 0.00004 and 0.00009; gnomAD 0.00006 and 0.00007; TOPMed 0.00009; ExAC 0.00010; 1000 Genomes Project 30x 0.00016; 1000 Genomes Project 0.00020.
gnomAD v4.1: 64 of 1,614,188 alleles (0.004%); highest among the groups gnomAD compares: South Asian, 0.046%; no homozygotes.

Submissions (5):

GeneDx
Classification: Uncertain significance. Last evaluated: 2024-04-11. Review status: criteria provided, single submitter. Criteria: GeneDx Variant Classification Process June 2021. Collection method: clinical testing. Allele origin: germline. Affected: yes.
Comment: In silico analysis indicates that this missense variant does not alter protein structure/function; Has not been previously published as pathogenic or benign to our knowledge

Labcorp Genetics (formerly Invitae), Labcorp
Classification: Uncertain significance for Fanconi anemia. Last evaluated: 2022-08-01. Review status: criteria provided, single submitter. Criteria: Invitae Variant Classification Sherloc (09022015). Collection method: clinical testing. Allele origin: germline.
Comment: This sequence change replaces glycine, which is neutral and non-polar, with arginine, which is basic and polar, at codon 981 of the SLX4 protein (p.Gly981Arg). This variant is present in population databases (rs546628836, gnomAD 0.06%). This variant has not been reported in the literature in individuals affected with SLX4-related conditions. ClinVar contains an entry for this variant (Variation ID: 456304). Algorithms developed to predict the effect of missense changes on protein structure and function (SIFT, PolyPhen-2, Align-GVGD) all suggest that this variant is likely to be tolerated. In summary, the available evidence is currently insufficient to determine the role of this variant in disease. Therefore, it has been classified as a Variant of Uncertain Significance.

Fulgent Genetics
Classification: Uncertain significance for Fanconi anemia complementation group P. Last evaluated: 2021-07-08. Review status: criteria provided, single submitter. Criteria: ACMG Guidelines, 2015. Collection method: clinical testing. Allele origin: unknown.

Baylor Genetics
Classification: Uncertain significance for Fanconi anemia complementation group P. Last evaluated: 2020-12-01. Review status: criteria provided, single submitter. Criteria: ACMG Guidelines, 2015. Collection method: clinical testing. Allele origin: maternal. Affected: yes. Study: CSER-TexasKidsCanSeq.
Comment: This variant was determined to be of uncertain significance according to ACMG Guidelines, 2015 [PMID:25741868].

Mendelics
Classification: Uncertain significance for Fanconi anemia complementation group A. Last evaluated: 2019-05-28. Review status: criteria provided, single submitter. Criteria: Mendelics Assertion Criteria 2017. Collection method: clinical testing. Allele origin: unknown.